The following is an entry in ClinVar:

ClinVar aggregate classification (germline): Uncertain significance (1 of 4 stars; one submission).

Conditions:
Developmental and epileptic encephalopathy, 34 (DEE34). Also called: SLC12A5-Related Epilepsy of Infancy with Migrating Focal Seizures; Early infantile epileptic encephalopathy 34. Identifiers: Orphanet 293181, MedGen C4225257, MONDO:0014718, OMIM 616645.

Submission:

Labcorp Genetics (formerly Invitae), Labcorp
Classification: Uncertain significance for Developmental and epileptic encephalopathy, 34. Last evaluated: 2020-07-08. Review status: criteria provided, single submitter. Criteria: Invitae Variant Classification Sherloc (09022015). Collection method: clinical testing. Allele origin: germline.
Comment: In summary, the available evidence is currently insufficient to determine the role of this variant in disease. Therefore, it has been classified as a Variant of Uncertain Significance. Algorithms developed to predict the effect of missense changes on protein structure and function are either unavailable or do not agree on the potential impact of this missense change (SIFT: "Tolerated"; PolyPhen-2: "Possibly Damaging"; Align-GVGD: "Class C0"). This variant has not been reported in the literature in individuals with SLC12A5-related conditions. This variant is not present in population databases (ExAC no frequency). This sequence change replaces threonine with asparagine at codon 188 of the SLC12A5 protein (p.Thr188Asn). The threonine residue is moderately conserved and there is a small physicochemical difference between threonine and asparagine.

NM_020708.5(SLC12A5):c.563C>A (p.Thr188Asn)

Gene: SLC12A5 (solute carrier family 12 member 5; plus strand). Cytogenetic location: 20q13.12.
Variant type: single nucleotide variant.
Coding change: c.563C>A on transcript NM_020708.5 (MANE Select); coding-DNA position 563, C replaced by A.
Protein change: p.Thr188Asn; replaces threonine 188 with asparagine.
Molecular consequence: missense variant.
Genome position (GRCh38, 1-based): chr20:46,037,336, C>A. VCF-style: chr20-46037336-C-A. GRCh37 (hg19) VCF-style: chr20-44665975-C-A.
Other names: c.632C>A, p.Thr211Asn (NM_001134771.2); short protein forms T188N, T211N.
Identifiers: ClinVar variation 1051233 (VCV001051233.9), dbSNP rs2145484631, ClinGen allele CA409188749.